The following is an entry in ClinVar:

NM_001197104.2(KMT2A):c.1016C>T (p.Pro339Leu)

Gene: KMT2A (lysine methyltransferase 2A; plus strand). Cytogenetic location: 11q23.3.
Variant type: single nucleotide variant.
Coding change: c.1016C>T on transcript NM_001197104.2 (MANE Select); coding-DNA position 1016, C replaced by T.
Protein change: p.Pro339Leu; replaces proline 339 with leucine.
Molecular consequence: missense variant.
Genome position (GRCh38, 1-based): chr11:118,472,175, C>T. VCF-style: chr11-118472175-C-T. GRCh37 (hg19) VCF-style: chr11-118342890-C-T.
Other names: c.1115C>T, p.Pro372Leu (NM_001412597.1); c.1016C>T, p.Pro339Leu (NM_005933.4); short protein forms P339L, P372L.
Identifiers: ClinVar variation 2716447 (VCV002716447.3), dbSNP rs782560620, ClinGen allele CA6303363.

ClinVar aggregate classification (germline): Uncertain significance (1 of 4 stars; one submission).

Allele frequency attached by ClinVar (database versions not stated): gnomAD exomes below 0.00001; ExAC 0.00001.

Submission:

Labcorp Genetics (formerly Invitae), Labcorp
Classification: Uncertain significance. Last evaluated: 2024-02-02. Review status: criteria provided, single submitter. Criteria: Invitae Variant Classification Sherloc (09022015). Collection method: clinical testing. Allele origin: germline.
Comment: This sequence change replaces proline, which is neutral and non-polar, with leucine, which is neutral and non-polar, at codon 339 of the KMT2A protein (p.Pro339Leu). The frequency data for this variant in the population databases is considered unreliable, as metrics indicate poor data quality at this position in the gnomAD database. This variant has not been reported in the literature in individuals affected with KMT2A-related conditions. Advanced modeling of protein sequence and biophysical properties (such as structural, functional, and spatial information, amino acid conservation, physicochemical variation, residue mobility, and thermodynamic stability) has been performed at Invitae for this missense variant, however the output from this modeling did not meet the statistical confidence thresholds required to predict the impact of this variant on KMT2A protein function. In summary, the available evidence is currently insufficient to determine the role of this variant in disease. Therefore, it has been classified as a Variant of Uncertain Significance.